The following is an entry in ClinVar:

NM_032444.4(SLX4):c.3073T>C (p.Trp1025Arg)

Gene: SLX4 (SLX4 structure-specific endonuclease subunit; minus strand). Cytogenetic location: 16p13.3.
Variant type: single nucleotide variant.
Coding change: c.3073T>C on transcript NM_032444.4 (MANE Select); coding-DNA position 3073, T replaced by C.
Protein change: p.Trp1025Arg; replaces tryptophan 1025 with arginine.
Molecular consequence: missense variant.
Genome position (GRCh38, 1-based): chr16:3,590,565, A>G on the plus strand (T>C on the coding strand, the complement: SLX4 is on the minus strand). VCF-style: chr16-3590565-A-G. GRCh37 (hg19) VCF-style: chr16-3640566-A-G.
Other names: short protein forms W1025R.
Identifiers: ClinVar variation 1715709 (VCV001715709.5), dbSNP rs2548213381, ClinGen allele CA394522149.

ClinVar aggregate classification (germline): Uncertain significance (1 of 4 stars; one submission).

Conditions:
Fanconi anemia (FA). Also called: Fanconi's anemia. Identifiers: Orphanet 84, MedGen C0015625, MeSH D005199, MONDO:0019391.

Submission:

Labcorp Genetics (formerly Invitae), Labcorp
Classification: Uncertain significance for Fanconi anemia. Last evaluated: 2023-12-21. Review status: criteria provided, single submitter. Criteria: Invitae Variant Classification Sherloc (09022015). Collection method: clinical testing. Allele origin: germline.
Comment: This sequence change replaces tryptophan, which is neutral and slightly polar, with arginine, which is basic and polar, at codon 1025 of the SLX4 protein (p.Trp1025Arg). This variant is not present in population databases (gnomAD no frequency). This variant has not been reported in the literature in individuals affected with SLX4-related conditions. ClinVar contains an entry for this variant (Variation ID: 1715709). Algorithms developed to predict the effect of missense changes on protein structure and function output the following: SIFT: "Not Available"; PolyPhen-2: "Benign"; Align-GVGD: "Not Available". The arginine amino acid residue is found in multiple mammalian species, which suggests that this missense change does not adversely affect protein function. In summary, the available evidence is currently insufficient to determine the role of this variant in disease. Therefore, it has been classified as a Variant of Uncertain Significance.